The following is an entry in ClinVar:

ClinVar aggregate classification (germline): Likely benign. Review status: criteria provided, multiple submitters, no conflicts (2 of 4 stars). 2 submissions from 2 submitters: Likely benign (2). Last evaluated 2021-11-11.

Conditions:
Christianson syndrome (MRXSCH). Also called: SLC9A6-Related Syndromic Mental Retardation; X-linked mental retardation, syndromic, Christianson type; INTELLECTUAL DEVELOPMENTAL DISORDER, X-LINKED, SYNDROMIC, CHRISTIANSON TYPE. Identifiers: Orphanet 85278, MedGen C2678194, MONDO:0010278, OMIM 300243.

Submissions (2):

Labcorp Genetics (formerly Invitae), Labcorp
Classification: Likely benign for Christianson syndrome. Last evaluated: 2021-11-11. Review status: criteria provided, single submitter. Criteria: Invitae Variant Classification Sherloc (09022015). Collection method: clinical testing. Allele origin: germline.

GeneDx
Classification: Likely benign. Last evaluated: 2017-04-06. Review status: criteria provided, single submitter. Criteria: GeneDx Variant Classification (06012015). Collection method: clinical testing. Allele origin: germline. Affected: yes.
Comment: This variant is considered likely benign or benign based on one or more of the following criteria: it is a conservative change, it occurs at a poorly conserved position in the protein, it is predicted to be benign by multiple in silico algorithms, and/or has population frequency not consistent with disease.

NM_001379110.1(SLC9A6):c.169+14C>G

Gene: SLC9A6 (solute carrier family 9 member A6; plus strand). Cytogenetic location: Xq26.3.
Variant type: single nucleotide variant.
Coding change: c.169+14C>G on transcript NM_001379110.1 (MANE Select); 14 bases into the intron after coding-DNA position 169, C replaced by G.
Molecular consequence: intron variant.
Genome position (GRCh38, 1-based): chrX:135,985,841, C>G. VCF-style: chrX-135985841-C-G. GRCh37 (hg19) VCF-style: chrX-135068000-C-G.
Other names: c.325+14C>G (NM_001042537.2, NM_006359.3); c.169+14C>G (NM_001177651.2, NM_001330652.2).
Identifiers: ClinVar variation 508663 (VCV000508663.9), dbSNP rs1556614871, ClinGen allele CA658799867.